The following is an entry in ClinVar:

ClinVar aggregate classification (germline): Uncertain significance. Review status: criteria provided, multiple submitters, no conflicts (2 of 4 stars). 2 submissions from 2 submitters: Uncertain significance (2). Last evaluated 2025-08-10.

Conditions:
Inborn genetic diseases. Identifiers: MedGen C0950123, MeSH D030342.
STING-associated vasculopathy with onset in infancy. Also called: Sting-associated vasculopathy, infantile-onset. Identifiers: Orphanet 425120, MedGen C4014722, MONDO:0014405, OMIM 615934.

Allele frequency attached by ClinVar (database versions not stated): gnomAD 0.00001; gnomAD exomes 0.00003; ExAC 0.00003.
gnomAD v4.1: 40 of 1,613,850 alleles (0.0025%); highest among the groups gnomAD compares: South Asian, 0.03%; 1 homozygote.

Submissions (2):

Labcorp Genetics (formerly Invitae), Labcorp
Classification: Uncertain significance for STING-associated vasculopathy with onset in infancy. Last evaluated: 2025-08-10. Review status: criteria provided, single submitter. Criteria: Invitae Variant Classification Sherloc (09022015). Collection method: clinical testing. Allele origin: germline.
Comment: This sequence change replaces arginine, which is basic and polar, with tryptophan, which is neutral and slightly polar, at codon 45 of the TMEM173 protein (p.Arg45Trp). This variant is present in population databases (rs770653748, gnomAD 0.03%). This variant has not been reported in the literature in individuals affected with TMEM173-related conditions. ClinVar contains an entry for this variant (Variation ID: 2142949). Invitae Evidence Modeling of protein sequence and biophysical properties (such as structural, functional, and spatial information, amino acid conservation, physicochemical variation, residue mobility, and thermodynamic stability) indicates that this missense variant is not expected to disrupt TMEM173 protein function with a negative predictive value of 80%. In summary, the available evidence is currently insufficient to determine the role of this variant in disease. Therefore, it has been classified as a Variant of Uncertain Significance.

Ambry Genetics
Classification: Uncertain significance for Inborn genetic diseases. Last evaluated: 2023-09-22. Review status: criteria provided, single submitter. Criteria: Ambry Variant Classification Scheme 2023. Collection method: clinical testing. Allele origin: germline.

NM_198282.4(STING1):c.133C>T (p.Arg45Trp)

Gene: STING1 (stimulator of interferon response cGAMP interactor 1; minus strand). Cytogenetic location: 5q31.2.
Variant type: single nucleotide variant.
Coding change: c.133C>T on transcript NM_198282.4 (MANE Select); coding-DNA position 133, C replaced by T.
Protein change: p.Arg45Trp; replaces arginine 45 with tryptophan.
Molecular consequence: missense variant. On other transcripts: intron variant (1).
Genome position (GRCh38, 1-based): chr5:139,481,572, G>A on the plus strand (C>T on the coding strand, the complement: STING1 is on the minus strand). VCF-style: chr5-139481572-G-A. GRCh37 (hg19) VCF-style: chr5-138861157-G-A.
Other names: c.133C>T, p.Arg45Trp (NM_001301738.2); c.-130-230C>T (NM_001367258.1); c.133C>T (NM_198282.2); short protein forms R45W.
Identifiers: ClinVar variation 2142949 (VCV002142949.5), dbSNP rs770653748, ClinGen allele CA3435498.